The following is an entry in ClinVar:

ClinVar aggregate classification (germline): Uncertain significance (1 of 4 stars; one submission).

Conditions:
Hereditary cancer-predisposing syndrome. Also called: Neoplastic Syndromes, Hereditary; Tumor predisposition; Hereditary Cancer Syndrome; Hereditary neoplastic syndrome. Identifiers: Orphanet 140162, MedGen C0027672, MeSH D009386, MONDO:0015356.

Submission:

Ambry Genetics
Classification: Uncertain significance for Hereditary cancer-predisposing syndrome. Last evaluated: 2025-10-14. Review status: criteria provided, single submitter. Criteria: Ambry Variant Classification Scheme 2023. Collection method: clinical testing. Allele origin: germline.
Comment: The p.I445T variant (also known as c.1334T>C), located in coding exon 12 of the EGFR gene, results from a T to C substitution at nucleotide position 1334. The isoleucine at codon 445 is replaced by threonine, an amino acid with similar properties. This amino acid position is conserved. In addition, the in silico prediction for this alteration is inconclusive. Based on the available evidence, the clinical significance of this variant remains unclear.

NM_005228.5(EGFR):c.1334T>C (p.Ile445Thr)

Gene: EGFR (epidermal growth factor receptor; plus strand). Cytogenetic location: 7p11.2.
Variant type: single nucleotide variant.
Coding change: c.1334T>C on transcript NM_005228.5 (MANE Select); coding-DNA position 1334, T replaced by C.
Protein change: p.Ile445Thr; replaces isoleucine 445 with threonine.
Molecular consequence: missense variant.
Genome position (GRCh38, 1-based): chr7:55,160,174, T>C. VCF-style: chr7-55160174-T-C. GRCh37 (hg19) VCF-style: chr7-55227867-T-C.
Other names: c.1199T>C, p.Ile400Thr (NM_001346897.2, NM_001346899.2); c.1334T>C, p.Ile445Thr (NM_001346898.2, NM_201282.2, NM_201284.2); c.1175T>C, p.Ile392Thr (NM_001346900.2); c.533T>C, p.Ile178Thr (NM_001346941.2); short protein forms I178T, I392T, I400T, I445T.
Identifiers: ClinVar variation 4638893 (VCV004638893.1).